The following is an entry in ClinVar:

NM_001394372.1(BICRA):c.971C>T (p.Pro324Leu)

Gene: BICRA (BRD4 interacting chromatin remodeling complex associated protein; plus strand). Cytogenetic location: 19q13.33.
Variant type: single nucleotide variant.
Coding change: c.971C>T on transcript NM_001394372.1 (MANE Select); coding-DNA position 971, C replaced by T.
Protein change: p.Pro324Leu; replaces proline 324 with leucine.
Molecular consequence: missense variant.
Genome position (GRCh38, 1-based): chr19:47,680,141, C>T. VCF-style: chr19-47680141-C-T. GRCh37 (hg19) VCF-style: chr19-48183398-C-T.
Other names: c.971C>T, p.Pro324Leu (NM_015711.3); short protein forms P324L.
Identifiers: ClinVar variation 1878923 (VCV001878923.25), dbSNP rs1220144943, ClinGen allele CA406611401.
Genomic context (GRCh38, chr19:47,680,141, plus strand): 5'-ACTCTGTGTTCGGAGGCGCGGGGGCCGCCTCGGCTCCCACCGGGACGCCCTCGGGACAGC[C>T]GCTGGCGGTGGCCCCAGGCCTCGGCTCGTCGCCACTGGTCCCGGCGCCCAACGTGATCCT-3'
Protein context (NP_001381301.1, residues 314-334): SAPTGTPSGQ[Pro324Leu]LAVAPGLGSS

ClinVar aggregate classification (germline): Uncertain significance. Review status: criteria provided, multiple submitters, no conflicts (2 of 4 stars). 2 submissions from 2 submitters: Uncertain significance (2). Last evaluated 2023-10-01.

Allele frequency attached by ClinVar (database versions not stated): TOPMed below 0.00001; gnomAD 0.00001.

Submissions (2):

CeGaT Center for Human Genetics Tuebingen
Classification: Uncertain significance. Last evaluated: 2023-10-01. Review status: criteria provided, single submitter. Criteria: CeGaT Center For Human Genetics Tuebingen Variant Classification Criteria Version 2. Collection method: clinical testing. Allele origin: germline. Affected: yes. Observed: 1 variant allele.
Comment: BICRA: PP2

GeneDx
Classification: Uncertain significance. Last evaluated: 2022-07-15. Review status: criteria provided, single submitter. Criteria: GeneDx Variant Classification Process June 2021. Collection method: clinical testing. Allele origin: germline. Affected: yes.
Comment: Not observed at significant frequency in large population cohorts (gnomAD); In silico analysis supports that this missense variant has a deleterious effect on protein structure/function; Has not been previously published as pathogenic or benign to our knowledge